The following is an entry in ClinVar:

NM_001330588.2(TPP2):c.602A>G (p.His201Arg)

Gene: TPP2 (tripeptidyl peptidase 2; plus strand). Cytogenetic location: 13q33.1.
Variant type: single nucleotide variant.
Coding change: c.602A>G on transcript NM_001330588.2 (MANE Select); coding-DNA position 602, A replaced by G.
Protein change: p.His201Arg; replaces histidine 201 with arginine.
Molecular consequence: missense variant. On other transcripts: non-coding transcript variant (1).
Genome position (GRCh38, 1-based): chr13:102,618,828, A>G. VCF-style: chr13-102618828-A-G. GRCh37 (hg19) VCF-style: chr13-103271178-A-G.
Other names: c.602A>G, p.His201Arg (NM_001367947.1, NM_003291.4); short protein forms H201R.
Identifiers: ClinVar variation 3669150 (VCV003669150.2).

ClinVar aggregate classification (germline): Uncertain significance (1 of 4 stars; one submission).

Conditions:
Evans syndrome, immunodeficiency, and premature immunosenescence associated with tripeptidyl-peptidase II deficiency. Identifiers: MedGen CN231723. Disease mechanism: loss of function.

Submission:

Labcorp Genetics (formerly Invitae), Labcorp
Classification: Uncertain significance for Evans syndrome, immunodeficiency, and premature immunosenescence associated with tripeptidyl-peptidase II deficiency. Last evaluated: 2024-11-21. Review status: criteria provided, single submitter. Criteria: Invitae Variant Classification Sherloc (09022015). Collection method: clinical testing. Allele origin: germline.
Comment: This sequence change replaces histidine, which is basic and polar, with arginine, which is basic and polar, at codon 201 of the TPP2 protein (p.His201Arg). This variant is present in population databases (rs766812334, gnomAD 0.0009%). This variant has not been reported in the literature in individuals affected with TPP2-related conditions. An algorithm developed to predict the effect of missense changes on protein structure and function (PolyPhen-2) suggests that this variant is likely to be disruptive. In summary, the available evidence is currently insufficient to determine the role of this variant in disease. Therefore, it has been classified as a Variant of Uncertain Significance.